The following is an entry in ClinVar:

ClinVar aggregate classification (germline): Uncertain significance. Review status: criteria provided, multiple submitters, no conflicts (2 of 4 stars). 5 submissions from 5 submitters: Uncertain significance (3). 2 of the submissions do not count toward it. Last evaluated 2024-11-25.

Conditions:
Immunodeficiency due to ficolin3 deficiency. Also called: FICOLIN 3 DEFICIENCY; FCN3 DEFICIENCY; LECTIN COMPLEMENT ACTIVATION PATHWAY, DEFECT IN, 3. Identifiers: Orphanet 331190, MedGen C3151226, MONDO:0013467, OMIM 613860.

Allele frequency attached by ClinVar (database versions not stated): 1000 Genomes Project 0.00080; 1000 Genomes Project 30x 0.00094; gnomAD exomes 0.00144 and 0.00223; gnomAD 0.00149 and 0.00153; ExAC 0.00158; TOPMed 0.00173; ESP Exome Variant Server 0.00208.
gnomAD v4.1: 3,487 of 1,613,560 alleles (0.22%); highest among the groups gnomAD compares: Non-Finnish European, 0.26%; 3 homozygotes.

Submissions (7):

Blueprint Genetics
Classification: Uncertain significance. Last evaluated: 2024-11-25. Review status: criteria provided, single submitter. Criteria: ACMG Guidelines, 2015. Collection method: clinical testing. Allele origin: germline.

Women's Health and Genetics/Laboratory Corporation of America, LabCorp
Classification: Uncertain significance. Last evaluated: 2023-07-28. Review status: criteria provided, single submitter. Criteria: LabCorp Variant Classification Summary - May 2015. Collection method: clinical testing. Allele origin: germline.
Comment: Variant summary: FCN3 c.232+1G>A is located in a canonical splice-site in intron 3 and is predicted to affect mRNA splicing resulting in a significantly altered protein due to either exon skipping, shortening, or inclusion of intronic material. Several computational tools predict a significant impact on normal splicing: Four predict the variant abolishes a 5' splicing donor site. However, these predictions have yet to be confirmed by functional studies. Sequence alignment suggests that this variant is not conserved through vertebrate species. In addition, the isoform lacking the exon 4 is found with low expression level in normal tissues (GTExPortal), suggesting missing exon 4 may not be disease-causing. The variant allele was found at a frequency of 0.0014 in 250554 control chromosomes in the gnomAD database, including 1 homozygotes. To our knowledge, no occurrence of c.232+1G>A in individuals affected with Immunodeficiency Due To Ficolin 3 Deficiency and no experimental evidence demonstrating its impact on protein function have been reported. One submitter has cited clinical-significance assessments for this variant to ClinVar after 2014 and has classified the variant as uncertain significance. Based on the evidence outlined above, the variant was classified as uncertain significance.

Fulgent Genetics
Classification: Uncertain significance for Immunodeficiency due to ficolin3 deficiency. Last evaluated: 2022-03-28. Review status: criteria provided, single submitter. Criteria: ACMG Guidelines, 2015. Collection method: clinical testing. Allele origin: unknown.

Clinical Genetics DNA and cytogenetics Diagnostics Lab, Erasmus MC, Erasmus Medical Center
Classification: Uncertain significance. Review status: no assertion criteria provided. Collection method: clinical testing. Allele origin: germline. Affected: yes. Study: VKGL Data-share Consensus. Not counted in ClinVar's aggregate classification.

Dr. Peter K. Rogan Lab, Western University
No classification provided (evidence only). Condition: Lung cancer. Review status: no classification provided. Collection method: in vitro. Allele origin: not applicable. Functional consequence: retained intron. Not counted in ClinVar's aggregate classification.

Dr. Peter K. Rogan Lab, Western University
No classification provided (evidence only). Condition: Familial cancer of breast. Review status: no classification provided. Collection method: in vitro. Allele origin: not applicable. Functional consequence: retained intron. Not counted in ClinVar's aggregate classification.

Genome Diagnostics Laboratory, University Medical Center Utrecht
Classification: Uncertain significance. Review status: no assertion criteria provided. Collection method: clinical testing. Allele origin: germline. Affected: yes. Study: VKGL Data-share Consensus. Not counted in ClinVar's aggregate classification.

NM_003665.4(FCN3):c.232+1G>A

Gene: FCN3 (ficolin 3; minus strand). Cytogenetic location: 1p36.11.
Variant type: single nucleotide variant.
Coding change: c.232+1G>A on transcript NM_003665.4 (MANE Select); the canonical splice donor site of the intron after coding-DNA position 232, G replaced by A.
Molecular consequence: splice donor variant.
Genome position (GRCh38, 1-based): chr1:27,373,964, C>T on the plus strand (G>A on the coding strand, the complement: FCN3 is on the minus strand). VCF-style: chr1-27373964-C-T. GRCh37 (hg19) VCF-style: chr1-27700455-C-T.
Other names: NC_000001.10:g.27700455C>T; c.232+1G>A (NM_173452.3).
Identifiers: ClinVar variation 984510 (VCV000984510.10), dbSNP rs141300199, ClinGen allele CA714410.